The following is an entry in ClinVar:

NM_002354.3(EPCAM):c.413G>T (p.Arg138Leu)

Gene: EPCAM (epithelial cell adhesion molecule; plus strand). Cytogenetic location: 2p21.
Variant type: single nucleotide variant.
Coding change: c.413G>T on transcript NM_002354.3 (MANE Select); coding-DNA position 413, G replaced by T.
Protein change: p.Arg138Leu; replaces arginine 138 with leucine.
Molecular consequence: missense variant.
Genome position (GRCh38, 1-based): chr2:47,374,036, G>T. VCF-style: chr2-47374036-G-T. GRCh37 (hg19) VCF-style: chr2-47601175-G-T.
Other names: short protein forms R138L.
Identifiers: ClinVar variation 3222111 (VCV003222111.1), dbSNP rs747098539, ClinGen allele CA346723494.
Genomic context (GRCh38, chr2:47,374,036, plus strand): 5'-GTGTGAACACTGCTGGGGTCAGAAGAACAGACAAGGACACTGAAATAACCTGCTCTGAGC[G>T]AGTGAGAACCTAGTGAGTGGGGCTGCCTATACTACTTGTTTTCATGCTGTTCAGATTCAT-3'
Protein context (NP_002345.2, residues 128-148): DKDTEITCSE[Arg138Leu]VRTYWIIIEL

ClinVar aggregate classification (germline): Uncertain significance (1 of 4 stars; one submission).

Conditions:
Hereditary cancer-predisposing syndrome. Also called: Tumor predisposition; Hereditary neoplastic syndrome; Hereditary Cancer Syndrome; Neoplastic Syndromes, Hereditary. Identifiers: Orphanet 140162, MedGen C0027672, MeSH D009386, MONDO:0015356.

Submission:

Ambry Genetics
Classification: Uncertain significance for Hereditary cancer-predisposing syndrome. Last evaluated: 2024-02-28. Review status: criteria provided, single submitter. Criteria: Ambry Variant Classification Scheme 2023. Collection method: clinical testing. Allele origin: germline.
Comment: The p.R138L variant (also known as c.413G>T), located in coding exon 3 of the EPCAM gene, results from a G to T substitution at nucleotide position 413. The arginine at codon 138 is replaced by leucine, an amino acid with dissimilar properties. This amino acid position is conserved. In addition, this alteration is predicted to be tolerated by in silico analysis. Based on the available evidence, the clinical significance of this alteration remains unclear.